The following is an entry in ClinVar:

ClinVar aggregate classification (germline): Uncertain significance (1 of 4 stars; one submission).

Allele frequency attached by ClinVar (database versions not stated): gnomAD exomes below 0.00001.
gnomAD v4.1: 2 of 1,614,006 alleles (0.00012%); highest among the groups gnomAD compares: Non-Finnish European, 0.00017%; no homozygotes.

Submission:

Labcorp Genetics (formerly Invitae), Labcorp
Classification: Uncertain significance. Last evaluated: 2022-05-11. Review status: criteria provided, single submitter. Criteria: Invitae Variant Classification Sherloc (09022015). Collection method: clinical testing. Allele origin: germline.
Comment: This variant has not been reported in the literature in individuals affected with DMXL2-related conditions. In summary, the available evidence is currently insufficient to determine the role of this variant in disease. Therefore, it has been classified as a Variant of Uncertain Significance. Algorithms developed to predict the effect of missense changes on protein structure and function (SIFT, PolyPhen-2, Align-GVGD) all suggest that this variant is likely to be tolerated. This variant is not present in population databases (gnomAD no frequency). This sequence change replaces histidine, which is basic and polar, with arginine, which is basic and polar, at codon 1298 of the DMXL2 protein (p.His1298Arg).

NM_001378457.1(DMXL2):c.3893A>G (p.His1298Arg)

Gene: DMXL2 (Dmx like 2; minus strand). Cytogenetic location: 15q21.2.
Variant type: single nucleotide variant.
Coding change: c.3893A>G on transcript NM_001378457.1 (MANE Select); coding-DNA position 3893, A replaced by G.
Protein change: p.His1298Arg; replaces histidine 1298 with arginine.
Molecular consequence: missense variant. On other transcripts: non-coding transcript variant (2), intron variant (2).
Genome position (GRCh38, 1-based): chr15:51,499,331, T>C on the plus strand (A>G on the coding strand, the complement: DMXL2 is on the minus strand). VCF-style: chr15-51499331-T-C. GRCh37 (hg19) VCF-style: chr15-51791528-T-C.
Other names: c.3893A>G, p.His1298Arg (NM_001174116.3, NM_001378458.1, NM_001378459.1 and 4 more transcripts); c.3653A>G, p.His1218Arg (NM_001378464.1); c.2765-7584A>G (NM_001378460.1); c.2765-4197A>G (NM_001174117.3); short protein forms H1218R, H1298R.
Identifiers: ClinVar variation 1961573 (VCV001961573.5), dbSNP rs2140487294, ClinGen allele CA392433706.
Genomic context (GRCh38, chr15:51,499,331, plus strand): 5'-GAAATAGCTGTTCCTTCAACAACACTTTTTCTTGCCAGCATATTAGATTTAAAGGTCGAA[T>C]GATCTTGCATTGCTGCCTCTTCTGCATTAGAACTATCAGCTTCAGTGTCTCCAAATTTGA-3'
Protein context (NP_001365386.1, residues 1288-1308): SNAEEAAMQD[His1298Arg]STFKSNMLAR